The following is an entry in ClinVar:

NM_001005242.3(PKP2):c.2291dup (p.Asn765fs)

Gene: PKP2 (plakophilin 2; minus strand). Cytogenetic location: 12p11.21.
Variant type: Duplication.
Coding change: c.2291dup on transcript NM_001005242.3 (MANE Select); coding-DNA position 2291, one base duplicated (A; older notation c.2291dupA).
Protein change: p.Asn765fs; shifts the reading frame from asparagine 765.
Molecular consequence: frameshift variant.
Genome position (GRCh38, 1-based): chr12:32,796,175, T duplicated on the plus strand (A on the coding strand, the reverse complement: PKP2 is on the minus strand). VCF-style (leftmost placement, unchanged base first): chr12-32796174-C-CT. GRCh37 (hg19) VCF-style: chr12-32949108-C-CT.
Other names: p.Asn809Glufs*18; c.2423dup, p.Asn809fs (NM_004572.4); c.2423dupA (NM_004572.3); c.2423dup (NM_004572.3); short protein forms N765fs, N809fs.
Identifiers: ClinVar variation 987466 (VCV000987466.4), dbSNP rs1956120566, ClinGen allele CA1139662558.
Genomic context (GRCh38, chr12:32,796,174, plus strand): 5'-GCCTGCACTAATGGCCATAATTTTCTGGATGCCCCCGGTGTTTAGAAGGTCGCGTGCATT[C>CT]TGGTAACTGTTTTGGATTATGTTGTTCAATGTGTAACAGGCAGAGGCTGTAGTTTCAATG-3'

ClinVar aggregate classification (germline): Pathogenic. Review status: criteria provided, multiple submitters, no conflicts (2 of 4 stars). 3 submissions from 3 submitters: Pathogenic (3). Last evaluated 2024-08-02.

Conditions:
Cardiovascular phenotype. Identifiers: MedGen CN230736.

Submissions (3):

Mayo Clinic Laboratories, Mayo Clinic
Classification: Pathogenic. Last evaluated: 2024-08-02. Review status: criteria provided, single submitter. Criteria: ACMG Guidelines, 2015. Collection method: clinical testing. Allele origin: germline. Observed: 1 variant allele.
Comment: PM2, PS4_supporting, PVS1

Ambry Genetics
Classification: Pathogenic for Cardiovascular phenotype. Last evaluated: 2024-05-14. Review status: criteria provided, single submitter. Criteria: Ambry Variant Classification Scheme 2023. Collection method: clinical testing. Allele origin: germline.
Comment: The c.2423dupA pathogenic mutation, located in coding exon 12 of the PKP2 gene, results from a duplication of A at nucleotide position 2423, causing a translational frameshift with a predicted alternate stop codon (p.N809Efs*18). This variant has been detected in individuals with features consistent with arrhythmogenic right ventricular cardiomyopathy (Biernacka EK et al. J Appl Genet, 2021 Dec;62:613-620; Ambry internal data). This variant is considered to be rare based on population cohorts in the Genome Aggregation Database (gnomAD). This alteration is expected to result in loss of function by premature protein truncation or nonsense-mediated mRNA decay. As such, this alteration is interpreted as a disease-causing mutation.

Institute of Medical Genetics and Applied Genomics, University Hospital Tübingen
Classification: Pathogenic. Last evaluated: 2020-10-23. Review status: criteria provided, single submitter. Criteria: ACMG Guidelines, 2015. Collection method: clinical testing. Allele origin: germline. Inheritance: Autosomal dominant inheritance. Affected: yes.

Literature cited by the submitters: PubMed 15489853 (cited by Mayo Clinic Laboratories, Mayo Clinic and Ambry Genetics); PubMed 34191271 (cited by Mayo Clinic Laboratories, Mayo Clinic and Ambry Genetics); PubMed 35272106 (cited by Mayo Clinic Laboratories, Mayo Clinic).